The following is an entry in ClinVar:

NM_152468.5(TMC8):c.1033G>A (p.Ala345Thr)

Gene: TMC8 (transmembrane channel like 8; plus strand). Cytogenetic location: 17q25.3.
Variant type: single nucleotide variant.
Coding change: c.1033G>A on transcript NM_152468.5 (MANE Select); coding-DNA position 1033, G replaced by A.
Protein change: p.Ala345Thr; replaces alanine 345 with threonine.
Molecular consequence: missense variant.
Genome position (GRCh38, 1-based): chr17:78,134,915, G>A. VCF-style: chr17-78134915-G-A. GRCh37 (hg19) VCF-style: chr17-76130996-G-A.
Other names: short protein forms A345T.
Identifiers: ClinVar variation 942496 (VCV000942496.8), dbSNP rs141819789, ClinGen allele CA8796713.
Genomic context (GRCh38, chr17:78,134,915, plus strand): 5'-TGCCTTTTCCCGCAGGAGTCCCTGTTTCTGCTGCTCCAGTACCTGCCCCCTGGGGTCATC[G>A]CCCTGGTCAACTTCCTGGGTCCCCTGCTGTTCACATTTCTGGTCCAGCTGGAGAACTACC-3'
Protein context (NP_689681.2, residues 335-355): LLQYLPPGVI[Ala345Thr]LVNFLGPLLF

ClinVar aggregate classification (germline): Uncertain significance. Review status: criteria provided, multiple submitters, no conflicts (2 of 4 stars). 2 submissions from 2 submitters: Uncertain significance (2). Last evaluated 2024-04-01.

Conditions:
Epidermodysplasia verruciformis. Identifiers: Orphanet 302, MedGen C0014522, MONDO:0009176.
Inborn genetic diseases. Identifiers: MedGen C0950123, MeSH D030342.

Allele frequency attached by ClinVar (database versions not stated): gnomAD 0.00001 and 0.00002; ExAC 0.00003; gnomAD exomes 0.00003 and 0.00004; TOPMed 0.00003; ESP Exome Variant Server 0.00008.
gnomAD v4.1: 21 of 1,613,942 alleles (0.0013%); highest among the groups gnomAD compares: South Asian, 0.0055%; no homozygotes.

Submissions (2):

Ambry Genetics
Classification: Uncertain significance for Inborn genetic diseases. Last evaluated: 2024-04-01. Review status: criteria provided, single submitter. Criteria: Ambry Variant Classification Scheme 2023. Collection method: clinical testing. Allele origin: germline.

Labcorp Genetics (formerly Invitae), Labcorp
Classification: Uncertain significance for Epidermodysplasia verruciformis. Last evaluated: 2022-07-11. Review status: criteria provided, single submitter. Criteria: Invitae Variant Classification Sherloc (09022015). Collection method: clinical testing. Allele origin: germline.
Comment: This sequence change replaces alanine, which is neutral and non-polar, with threonine, which is neutral and polar, at codon 345 of the TMC8 protein (p.Ala345Thr). This variant is present in population databases (rs141819789, gnomAD 0.006%). This variant has not been reported in the literature in individuals affected with TMC8-related conditions. ClinVar contains an entry for this variant (Variation ID: 942496). Algorithms developed to predict the effect of missense changes on protein structure and function are either unavailable or do not agree on the potential impact of this missense change (SIFT: "Tolerated"; PolyPhen-2: "Possibly Damaging"; Align-GVGD: "Class C0"). In summary, the available evidence is currently insufficient to determine the role of this variant in disease. Therefore, it has been classified as a Variant of Uncertain Significance.